The following is an entry in ClinVar:

NM_001271938.2(MEGF8):c.3782G>A (p.Arg1261Gln)

Gene: MEGF8 (multiple EGF like domains 8; plus strand). Cytogenetic location: 19q13.2.
Variant type: single nucleotide variant.
Coding change: c.3782G>A on transcript NM_001271938.2 (MANE Select); coding-DNA position 3782, G replaced by A.
Protein change: p.Arg1261Gln; replaces arginine 1261 with glutamine.
Molecular consequence: missense variant.
Genome position (GRCh38, 1-based): chr19:42,353,795, G>A. VCF-style: chr19-42353795-G-A. GRCh37 (hg19) VCF-style: chr19-42857947-G-A.
Other names: c.3581G>A, p.Arg1194Gln (NM_001410.3); short protein forms R1194Q, R1261Q.
Identifiers: ClinVar variation 2548698 (VCV002548698.3), dbSNP rs778710515, ClinGen allele CA9475089.

ClinVar aggregate classification (germline): Uncertain significance. Review status: criteria provided, multiple submitters, no conflicts (2 of 4 stars). 2 submissions from 2 submitters: Uncertain significance (2). Last evaluated 2023-05-31.

Conditions:
Inborn genetic diseases. Identifiers: MedGen C0950123, MeSH D030342.

Allele frequency attached by ClinVar (database versions not stated): ExAC 0.00001; gnomAD exomes 0.00001; TOPMed 0.00005; gnomAD 0.00006.
gnomAD v4.1: 22 of 1,603,910 alleles (0.0014%); highest among the groups gnomAD compares: African/African-American, 0.0094%; no homozygotes.

Submissions (2):

Ambry Genetics
Classification: Uncertain significance for Inborn genetic diseases. Last evaluated: 2023-05-31. Review status: criteria provided, single submitter. Criteria: Ambry Variant Classification Scheme 2023. Collection method: clinical testing. Allele origin: germline.

GeneDx
Classification: Uncertain significance. Last evaluated: 2023-01-25. Review status: criteria provided, single submitter. Criteria: GeneDx Variant Classification Process June 2021. Collection method: clinical testing. Allele origin: germline. Affected: yes.
Comment: In silico analysis supports that this missense variant does not alter protein structure/function; Has not been previously published as pathogenic or benign to our knowledge